The following is an entry in ClinVar:

ClinVar aggregate classification (germline): Uncertain significance (1 of 4 stars; one submission).

Submission:

Dasa
Classification: Uncertain significance. Last evaluated: 2026-05-02. Review status: criteria provided, single submitter. Criteria: DASA Assertion Criteria. Collection method: clinical testing. Allele origin: germline.
Comment: NM_014516.4(CNOT3):c.478A>G (p.Lys160Glu) is a missense variant that results in the substitution of lysine with glutamic acid. This variant is rare in population databases. The currently available literature and clinical evidence are not sufficient to establish a definitive association between this variant and the reported condition. Therefore, this variant is classified as a variant of uncertain significance.

NM_014516.4(CNOT3):c.478A>G (p.Lys160Glu)

Gene: CNOT3 (CCR4-NOT transcription complex subunit 3; plus strand). Cytogenetic location: 19q13.42.
Variant type: single nucleotide variant.
Coding change: c.478A>G on transcript NM_014516.4 (MANE Select); coding-DNA position 478, A replaced by G.
Protein change: p.Lys160Glu; replaces lysine 160 with glutamic acid.
Molecular consequence: missense variant. On other transcripts: non-coding transcript variant (2), 5 prime UTR variant (2).
Genome position (GRCh38, 1-based): chr19:54,144,327, A>G. VCF-style: chr19-54144327-A-G. GRCh37 (hg19) VCF-style: chr19-54648063-A-G.
Other names: c.478A>G, p.Lys160Glu (NM_001440656.1, NM_001440657.1, NM_001440658.1 and 7 more transcripts); c.-122A>G (NM_001440659.1, NM_001440660.1); short protein forms K160E.
Identifiers: ClinVar variation 5020646 (VCV005020646.1).
Genomic context (GRCh38, chr19:54,144,327, plus strand): 5'-GACCAGTTTGAGAGTGAAGTGGAGTCACTGTCAGTGCAGACACGCAAGAAGAAGGGCGAC[A>G]AGGATGTGAGTGAGGGAGACCCGACACCTTTGGGATGGGGATGGGCATGGGAATGGGCTG-3'
Protein context (NP_055331.1, residues 150-170): SVQTRKKKGD[Lys160Glu]DKQDRIEGLK